The following is an entry in ClinVar:

NM_000441.2(SLC26A4):c.1270G>C (p.Gly424Arg)

Gene: SLC26A4 (solute carrier family 26 member 4; plus strand). Cytogenetic location: 7q22.3.
Variant type: single nucleotide variant.
Coding change: c.1270G>C on transcript NM_000441.2 (MANE Select); coding-DNA position 1270, G replaced by C.
Protein change: p.Gly424Arg; replaces glycine 424 with arginine.
Molecular consequence: missense variant.
Genome position (GRCh38, 1-based): chr7:107,694,409, G>C. VCF-style: chr7-107694409-G-C. GRCh37 (hg19) VCF-style: chr7-107334854-G-C.
Other names: short protein forms G424R.
Identifiers: ClinVar variation 2893911 (VCV002893911.3), dbSNP rs1791675675, ClinGen allele CA368840254.
Genomic context (GRCh38, chr7:107,694,409, plus strand): 5'-GAAGACACAAGGGAGAAGGACGAATCCTTTTCATAGGAGGTGTGTGTCTTCCAGGTTGCT[G>C]GCATCATCTCTGCTGCGATTGTGATGATCGCCATTCTTGCCCTGGGGAAGCTTCTGGAAC-3'
Protein context (NP_000432.1, residues 414-434): ESTGGKTQVA[Gly424Arg]IISAAIVMIA

ClinVar aggregate classification (germline): Likely pathogenic (1 of 4 stars; one submission).

Allele frequency attached by ClinVar (database versions not stated): TOPMed below 0.00001.

Submission:

Labcorp Genetics (formerly Invitae), Labcorp
Classification: Likely pathogenic. Last evaluated: 2023-03-18. Review status: criteria provided, single submitter. Criteria: Invitae Variant Classification Sherloc (09022015). Collection method: clinical testing. Allele origin: germline.
Comment: This sequence change replaces glycine, which is neutral and non-polar, with arginine, which is basic and polar, at codon 424 of the SLC26A4 protein (p.Gly424Arg). This variant is not present in population databases (gnomAD no frequency). This variant has not been reported in the literature in individuals affected with SLC26A4-related conditions. Advanced modeling of protein sequence and biophysical properties (such as structural, functional, and spatial information, amino acid conservation, physicochemical variation, residue mobility, and thermodynamic stability) performed at Invitae indicates that this missense variant is expected to disrupt SLC26A4 protein function. This variant disrupts the p.Gly424 amino acid residue in SLC26A4. Other variant(s) that disrupt this residue have been determined to be pathogenic (PMID: 18285825, 19017801). This suggests that this residue is clinically significant, and that variants that disrupt this residue are likely to be disease-causing. In summary, the currently available evidence indicates that the variant is pathogenic, but additional data are needed to prove that conclusively. Therefore, this variant has been classified as Likely Pathogenic.

Literature cited by the submitters: PubMed 18285825; PubMed 19017801.